The following is an entry in ClinVar:

ClinVar aggregate classification (germline): Conflicting classifications of pathogenicity. Review status: criteria provided, conflicting classifications (1 of 4 stars). 5 submissions from 3 submitters: Uncertain significance (4); Benign (1). Last evaluated 2025-11-03.

Conditions:
Autosomal dominant childhood-onset proximal spinal muscular atrophy without contractures. Also called: KUGELBERG-WELANDER SYNDROME, AUTOSOMAL DOMINANT; SPINAL MUSCULAR ATROPHY, JUVENILE, PROXIMAL, AUTOSOMAL DOMINANT; Spinal muscular atrophy, lower extremity-predominant 1, AD; SPINAL MUSCULAR ATROPHY, CHILDHOOD, PROXIMAL, AUTOSOMAL DOMINANT. Identifiers: Orphanet 209341, Orphanet 363447, MedGen C5780022, MONDO:0008026, OMIM 158600.
Cortical dysplasia, complex, with other brain malformations 13. Also called: Intellectual disability, autosomal dominant 13. Identifiers: MedGen C3281202, MONDO:0013805, OMIM 614563.
Charcot-Marie-Tooth disease axonal type 2O. Also called: Charcot-Marie-Tooth disease, axonal, type 20; CHARCOT-MARIE-TOOTH NEUROPATHY, AXONAL, TYPE 2O; CHARCOT-MARIE-TOOTH DISEASE, AXONAL, AUTOSOMAL DOMINANT, TYPE 2O; Charcot-Marie-Tooth Neuropathy Type 2O. Identifiers: Orphanet 284232, MedGen C3280220, MONDO:0013644, OMIM 614228.

Allele frequency attached by ClinVar (database versions not stated): gnomAD exomes below 0.00001 and 0.00002; ExAC 0.00003; TOPMed 0.00004; gnomAD 0.00006; 1000 Genomes Project 30x 0.00016; 1000 Genomes Project 0.00020.
gnomAD v4.1: 17 of 1,614,196 alleles (0.0011%); highest among the groups gnomAD compares: African/African-American, 0.021%; no homozygotes.

Submissions (5):

Labcorp Genetics (formerly Invitae), Labcorp
Classification: Benign for Charcot-Marie-Tooth disease axonal type 2O. Last evaluated: 2025-11-03. Review status: criteria provided, single submitter. Criteria: Invitae Variant Classification Sherloc (09022015). Collection method: clinical testing. Allele origin: germline.

Baylor Genetics
Classification: Uncertain significance for Charcot-Marie-Tooth disease axonal type 2O. Last evaluated: 2022-12-06. Review status: criteria provided, single submitter. Criteria: ACMG Guidelines, 2015. Collection method: clinical testing. Allele origin: unknown.

Baylor Genetics
Classification: Uncertain significance for Cortical dysplasia, complex, with other brain malformations 13. Last evaluated: 2022-12-06. Review status: criteria provided, single submitter. Criteria: ACMG Guidelines, 2015. Collection method: clinical testing. Allele origin: unknown.

Baylor Genetics
Classification: Uncertain significance for Autosomal dominant childhood-onset proximal spinal muscular atrophy without contractures. Last evaluated: 2022-12-06. Review status: criteria provided, single submitter. Criteria: ACMG Guidelines, 2015. Collection method: clinical testing. Allele origin: unknown.

GeneDx
Classification: Uncertain significance. Last evaluated: 2016-02-03. Review status: criteria provided, single submitter. Criteria: GeneDx Variant Classification (06012015). Collection method: clinical testing. Allele origin: germline. Affected: yes.
Comment: The A2380T variant has not been published as a pathogenic variant, nor has it been reported as a benign variant to our knowledge. It was not observed in approximately 6,500 individuals of European and African American ancestry in the NHLBI Exome Sequencing Project, indicating it is not a common benign variant in these populations. Additionally, it was not observed with any significant frequency in the 1000 Genomes Project. The A2380T variant is a non-conservative amino acid substitution, which is likely to impact secondary protein structure as these residues differ in polarity, charge, size and/or other properties. This substitution occurs at a position that is conserved across species; however, Threonine is observed at this position in a distantly related species. In silico analysis is inconsistent in its predictions as to whether or not the variant is damaging to the protein structure/function. Therefore, based on the currently available information, it is unclear whether this variant is a pathogenic variant or a rare benign variant.

NM_001376.5(DYNC1H1):c.7138G>A (p.Ala2380Thr)

Gene: DYNC1H1 (dynein cytoplasmic 1 heavy chain 1; plus strand). Cytogenetic location: 14q32.31.
Variant type: single nucleotide variant.
Coding change: c.7138G>A on transcript NM_001376.5 (MANE Select); coding-DNA position 7138, G replaced by A.
Protein change: p.Ala2380Thr; replaces alanine 2380 with threonine.
Molecular consequence: missense variant.
Genome position (GRCh38, 1-based): chr14:102,015,228, G>A. VCF-style: chr14-102015228-G-A. GRCh37 (hg19) VCF-style: chr14-102481565-G-A.
Other names: short protein forms A2380T.
Identifiers: ClinVar variation 246307 (VCV000246307.11), dbSNP rs550161377, ClinGen allele CA7352745.